The following is an entry in ClinVar:

ClinVar aggregate classification (germline): Benign/Likely benign. Review status: criteria provided, multiple submitters, no conflicts (2 of 4 stars). 6 submissions from 6 submitters: Benign (2); Likely benign (3). 1 of the submissions does not count toward it. Last evaluated 2026-01-01.

Conditions:
Autosomal dominant nonsyndromic hearing loss 48. Also called: DEAFNESS, AUTOSOMAL DOMINANT 48. Identifiers: Orphanet 90635, MedGen C1842939, MONDO:0011920, OMIM 607841.

Allele frequency attached by ClinVar (database versions not stated): 1000 Genomes Project 0.00260; 1000 Genomes Project 30x 0.00265; gnomAD exomes 0.00545 and 0.00821; gnomAD 0.00551 and 0.00570; ExAC 0.00554; TOPMed 0.00554.
gnomAD v4.1: 12,736 of 1,614,104 alleles (0.79%); highest among the groups gnomAD compares: Non-Finnish European, 0.97%; 46 homozygotes.

Submissions (6):

CeGaT Center for Human Genetics Tuebingen
Classification: Likely benign. Last evaluated: 2026-01-01. Review status: criteria provided, single submitter. Criteria: CeGaT Center For Human Genetics Tuebingen Variant Classification Criteria Version 2. Collection method: clinical testing. Allele origin: germline. Affected: yes. Observed: 7 variant alleles.
Comment: MYO1A: BP4, BS2

GeneDx
Classification: Benign. Last evaluated: 2018-06-04. Review status: criteria provided, single submitter. Criteria: GeneDx Variant Classification Process June 2021. Collection method: clinical testing. Allele origin: germline. Affected: yes.
Comment: This variant is associated with the following publications: (PMID: 27759032, 25262649, 24616153, 25333069, 12736868)

Eurofins Ntd Llc (ga)
Classification: Likely benign. Last evaluated: 2014-11-21. Review status: criteria provided, single submitter. Criteria: EGL Classification Definitions 2015. Collection method: clinical testing. Allele origin: germline. Observed: 2 variant alleles, 2 heterozygotes.

Laboratory for Molecular Medicine, Mass General Brigham Personalized Medicine
Classification: Benign. Last evaluated: 2013-07-16. Review status: criteria provided, single submitter. Criteria: LMM Criteria. Collection method: clinical testing. Allele origin: germline. Observed: 7 variant alleles.
Comment: Val306Met in exon 11 of MYO1A: This variant is not expected to have clinical sig nificance because it has been identified in 1% (83/8600) of European American ch romosomes from a broad population by the NHLBI Exome Sequencing Project (dbSNP rs55679042) and due to a lack of conservation across species, including mammals. Of note, at least 6 different mammals (rat, mouse, tree shrew, pika, microbat, and wallaby) have a Methionine (Met) at this position despite high nearby amino acid conservation.

Breakthrough Genomics
Classification: Likely benign. Review status: criteria provided, single submitter. Criteria: ACMG Guidelines, 2015. Collection method: not provided. Allele origin: germline. Inheritance: Unknown mechanism. Affected: yes.

OMIM
Classification: Uncertain significance for RECLASSIFIED - VARIANT OF UNKNOWN SIGNIFICANCE. Last evaluated: 2014-05-01. Review status: no assertion criteria provided. Collection method: literature only. Allele origin: germline. Not counted in ClinVar's aggregate classification.

Literature cited by the submitters: PubMed 12736868 (cited by Laboratory for Molecular Medicine, Mass General Brigham Personalized Medicine and OMIM); PubMed 24616153 (cited by OMIM).

NM_005379.4(MYO1A):c.916G>A (p.Val306Met)

Gene: MYO1A (myosin IA; minus strand). Cytogenetic location: 12q13.3.
Variant type: single nucleotide variant.
Coding change: c.916G>A on transcript NM_005379.4 (MANE Select); coding-DNA position 916, G replaced by A.
Protein change: p.Val306Met; replaces valine 306 with methionine.
Molecular consequence: missense variant.
Genome position (GRCh38, 1-based): chr12:57,043,335, C>T on the plus strand (G>A on the coding strand, the complement: MYO1A is on the minus strand). VCF-style: chr12-57043335-C-T. GRCh37 (hg19) VCF-style: chr12-57437119-C-T.
Other names: c.916G>A, p.Val306Met (NM_001256041.2); short protein forms V306M.
Identifiers: ClinVar variation 8148 (VCV000008148.35), dbSNP rs55679042, ClinGen allele CA136016.
Genomic context (GRCh38, chr12:57,043,335, plus strand): 5'-TGGCTGTTTCCATGGTCCTCGAGCACAAAGCTCTCTCTACTTCTTCTGAATTCAAGCCCA[C>T]CATCTCCCCAATCTCCCGAACACCTGGGATAATGAGAAAGTACAGCATGTCCTTAGAGGC-3'
Protein context (NP_005370.1, residues 296-316): GRGVREIGEM[Val306Met]GLNSEEVERA